The following is an entry in ClinVar:

NM_194454.3(KRIT1):c.1012C>A (p.Arg338Ser)

Gene: KRIT1 (KRIT1 ankyrin repeat containing; minus strand). Cytogenetic location: 7q21.2.
Variant type: single nucleotide variant.
Coding change: c.1012C>A on transcript NM_194454.3 (MANE Select); coding-DNA position 1012, C replaced by A.
Protein change: p.Arg338Ser; replaces arginine 338 with serine.
Molecular consequence: missense variant.
Genome position (GRCh38, 1-based): chr7:92,226,660, G>T on the plus strand (C>A on the coding strand, the complement: KRIT1 is on the minus strand). VCF-style: chr7-92226660-G-T. GRCh37 (hg19) VCF-style: chr7-91855974-G-T.
Other names: c.868C>A, p.Arg290Ser (NM_001013406.2, NM_001350669.1, NM_001350670.1); c.298C>A, p.Arg100Ser (NM_001350671.1); c.1012C>A, p.Arg338Ser (NM_001350672.1, NM_001350673.1, NM_001350674.1 and 26 more transcripts); short protein forms R100S, R290S, R338S.
Identifiers: ClinVar variation 4805285 (VCV004805285.1).

ClinVar aggregate classification (germline): Uncertain significance (1 of 4 stars; one submission).

Conditions:
Cerebral cavernous malformation (CCM). Also called: CAVERNOUS ANGIOMA, FAMILIAL; CAVERNOUS ANGIOMATOUS MALFORMATIONS; CEREBRAL CAPILLARY MALFORMATIONS; Cavernous Hemangioma of Brain; Cerebral cavernous malformations; Cerebral cavernous hemangioma (type). Identifiers: Orphanet 221061, MedGen C2919945, MONDO:0000820, OMIM 116860, HP:0033522.

gnomAD v4.1: 5 of 1,613,082 alleles (0.00031%); highest among the groups gnomAD compares: Admixed American, 0.0083%; no homozygotes.

Submission:

Labcorp Genetics (formerly Invitae), Labcorp
Classification: Uncertain significance for Cerebral cavernous malformation. Last evaluated: 2025-07-18. Review status: criteria provided, single submitter. Criteria: Invitae Variant Classification Sherloc (09022015). Collection method: clinical testing. Allele origin: germline.
Comment: This sequence change replaces arginine, which is basic and polar, with serine, which is neutral and polar, at codon 338 of the KRIT1 protein (p.Arg338Ser). This variant is present in population databases (no rsID available, gnomAD 0.01%). This variant has not been reported in the literature in individuals affected with KRIT1-related conditions. Invitae Evidence Modeling of protein sequence and biophysical properties (such as structural, functional, and spatial information, amino acid conservation, physicochemical variation, residue mobility, and thermodynamic stability) indicates that this missense variant is not expected to disrupt KRIT1 protein function with a negative predictive value of 80%. In summary, the available evidence is currently insufficient to determine the role of this variant in disease. Therefore, it has been classified as a Variant of Uncertain Significance.